The following is an entry in ClinVar:

ClinVar aggregate classification (germline): Conflicting classifications of pathogenicity. Review status: criteria provided, conflicting classifications (1 of 4 stars). 4 submissions from 4 submitters: Uncertain significance (2); Likely benign (1). 1 of the submissions does not count toward it. Last evaluated 2025-05-08.

Conditions:
Hereditary cancer-predisposing syndrome. Also called: Tumor predisposition; Hereditary neoplastic syndrome; Hereditary Cancer Syndrome; Neoplastic Syndromes, Hereditary. Identifiers: Orphanet 140162, MedGen C0027672, MeSH D009386, MONDO:0015356.
Hereditary breast ovarian cancer syndrome. Also called: Hereditary breast and ovarian cancer syndrome; BRCA1- and BRCA2-Associated Hereditary Breast and Ovarian Cancer; Hereditary breast and/or ovarian cancer syndrome; Hereditary breast and ovarian cancer syndrome (HBOC); Breast and ovarian cancer; Hereditary breast and ovarian cancer. Identifiers: Orphanet 145, MedGen C0677776, MeSH D061325, MONDO:0003582. Disease mechanism: loss of function.
Breast-ovarian cancer, familial, susceptibility to, 2 (BROVCA2). Also called: BRCA2 Hereditary Breast and Ovarian Cancer. Identifiers: Orphanet 145, MedGen C2675520, MONDO:0012933, OMIM 612555. Disease mechanism: loss of function.

Allele frequency attached by ClinVar (database versions not stated): gnomAD exomes 0.00001.
gnomAD v4.1: 3 of 1,614,218 alleles (0.00019%); highest among the groups gnomAD compares: Non-Finnish European, 0.00025%; no homozygotes.

Submissions (4):

Ambry Genetics
Classification: Likely benign for Hereditary cancer-predisposing syndrome. Last evaluated: 2025-05-08. Review status: criteria provided, single submitter. Criteria: Ambry Variant Classification Scheme 2023. Collection method: clinical testing. Allele origin: germline.

CeGaT Center for Human Genetics Tuebingen
Classification: Uncertain significance. Last evaluated: 2025-05-01. Review status: criteria provided, single submitter. Criteria: CeGaT Center For Human Genetics Tuebingen Variant Classification Criteria Version 2. Collection method: clinical testing. Allele origin: germline. Affected: yes. Observed: 1 variant allele.
Comment: BRCA2: PM2:Supporting, BP4

Labcorp Genetics (formerly Invitae), Labcorp
Classification: Uncertain significance for Hereditary breast ovarian cancer syndrome. Last evaluated: 2023-03-22. Review status: criteria provided, single submitter. Criteria: Invitae Variant Classification Sherloc (09022015). Collection method: clinical testing. Allele origin: germline.
Comment: In summary, the available evidence is currently insufficient to determine the role of this variant in disease. Therefore, it has been classified as a Variant of Uncertain Significance. Advanced modeling of protein sequence and biophysical properties (such as structural, functional, and spatial information, amino acid conservation, physicochemical variation, residue mobility, and thermodynamic stability) performed at Invitae indicates that this missense variant is not expected to disrupt BRCA2 protein function. ClinVar contains an entry for this variant (Variation ID: 409489). This missense change has been observed in individual(s) with a history of Lynch syndrome–associated cancer and/or polyps (PMID: 25980754). This variant is not present in population databases (gnomAD no frequency). This sequence change replaces lysine, which is basic and polar, with arginine, which is basic and polar, at codon 2741 of the BRCA2 protein (p.Lys2741Arg).

Department of Medical and Surgical Sciences, University of Bologna
Classification: Uncertain significance for Breast-ovarian cancer, familial, susceptibility to, 2. Last evaluated: 2023-09-01. Review status: no assertion criteria provided. Collection method: clinical testing. Allele origin: germline. Affected: yes. Not counted in ClinVar's aggregate classification.
Comment: PM2(Supporting)+BP4(Supporting) according to ACMG/AMP classification guidelines specified for BRCA1 & BRCA2 (Classification Criteria V1.0.0 2023-09-08) (PMID: 38160042)

Literature cited by the submitters: PubMed 33471991 (cited by Ambry Genetics); PubMed 25980754 (cited by Labcorp Genetics (formerly Invitae), Labcorp).

NM_000059.4(BRCA2):c.8222A>G (p.Lys2741Arg)

Gene: BRCA2 (BRCA2 DNA repair associated; plus strand). Cytogenetic location: 13q13.1.
Variant type: single nucleotide variant.
Coding change: c.8222A>G on transcript NM_000059.4 (MANE Select); coding-DNA position 8222, A replaced by G.
Protein change: p.Lys2741Arg; replaces lysine 2741 with arginine.
Molecular consequence: missense variant.
Genome position (GRCh38, 1-based): chr13:32,363,424, A>G. VCF-style: chr13-32363424-A-G. GRCh37 (hg19) VCF-style: chr13-32937561-A-G.
Other names: short protein forms K2741R.
Identifiers: ClinVar variation 409489 (VCV000409489.22), dbSNP rs1060502428, ClinGen allele CA16613957.
Genomic context (GRCh38, chr13:32,363,424, plus strand): 5'-TTACAGATGGGTGGTATGCTGTTAAGGCCCAGTTAGATCCTCCCCTCTTAGCTGTCTTAA[A>G]GAATGGCAGACTGACAGTTGGTCAGAAGATTATTCTTCATGGAGCAGAACTGGTGGGCTC-3'
Protein context (NP_000050.3, residues 2731-2751): QLDPPLLAVL[Lys2741Arg]NGRLTVGQKI